The following is an entry in ClinVar:

ClinVar aggregate classification (germline): Uncertain significance (1 of 4 stars; one submission).

gnomAD v4.1: 3 of 1,613,548 alleles (0.00019%); highest among the groups gnomAD compares: African/African-American, 0.004%; no homozygotes.

Submission:

Labcorp Genetics (formerly Invitae), Labcorp
Classification: Uncertain significance. Last evaluated: 2021-01-19. Review status: criteria provided, single submitter. Criteria: Invitae Variant Classification Sherloc (09022015). Collection method: clinical testing. Allele origin: germline.
Comment: This sequence change replaces methionine with leucine at codon 568 of the ICK protein (p.Met568Leu). The methionine residue is moderately conserved and there is a small physicochemical difference between methionine and leucine. This variant is not present in population databases (ExAC no frequency). This variant has not been reported in the literature in individuals with ICK-related conditions. Algorithms developed to predict the effect of missense changes on protein structure and function output the following: SIFT: "Tolerated"; PolyPhen-2: "Benign"; Align-GVGD: "Class C0". The leucine amino acid residue is found in multiple mammalian species, suggesting that this missense change does not adversely affect protein function. These predictions have not been confirmed by published functional studies and their clinical significance is uncertain. In summary, the available evidence is currently insufficient to determine the role of this variant in disease. Therefore, it has been classified as a Variant of Uncertain Significance.

NM_014920.5(CILK1):c.1702A>C (p.Met568Leu)

Gene: CILK1 (ciliogenesis associated kinase 1; minus strand). Cytogenetic location: 6p12.1.
Variant type: single nucleotide variant.
Coding change: c.1702A>C on transcript NM_014920.5 (MANE Select); coding-DNA position 1702, A replaced by C.
Protein change: p.Met568Leu; replaces methionine 568 with leucine.
Molecular consequence: missense variant. On other transcripts: non-coding transcript variant (1).
Genome position (GRCh38, 1-based): chr6:53,006,357, T>G on the plus strand (A>C on the coding strand, the complement: CILK1 is on the minus strand). VCF-style: chr6-53006357-T-G. GRCh37 (hg19) VCF-style: chr6-52871155-T-G.
Other names: c.1723A>C, p.Met575Leu (NM_001375397.1); c.1702A>C, p.Met568Leu (NM_001375398.1, NM_001375399.1, NM_001375400.1 and 3 more transcripts); short protein forms M568L, M575L.
Identifiers: ClinVar variation 1680534 (VCV001680534.8), dbSNP rs145842629, ClinGen allele CA364465744.
Genomic context (GRCh38, chr6:53,006,357, plus strand): 5'-ATTTAAAATACAACTCACCAGGGGAAGGGTCTGGAATAGGTGCTAGGTGTACCCTCTGCA[T>G]AGCAGAACCGATTTCTTTTTTCAGAAAGGAAGGGACATAGTTTCCAGTCAGTCCACTAGA-3'
Protein context (NP_055735.1, residues 558-578): SFLKKEIGSA[Met568Leu]QRVHLAPIPD